The following is an entry in ClinVar:

ClinVar aggregate classification (germline): Likely benign (1 of 4 stars; one submission).

Conditions:
SCN11A-related disorder. Also called: SCN11A-related condition.

gnomAD v4.1: 67 of 1,612,478 alleles (0.0042%); highest among the groups gnomAD compares: Middle Eastern, 0.034%; no homozygotes.

Submission:

PreventionGenetics, part of Exact Sciences
Classification: Likely benign for SCN11A-related condition. Last evaluated: 2025-10-09. Review status: criteria provided, single submitter. Criteria: ACMG Guidelines, 2015. Collection method: clinical testing. Allele origin: germline.
Comment: This variant is classified as likely benign based on ACMG/AMP sequence variant interpretation guidelines (Richards et al. 2015 PMID: 25741868, with internal and published modifications).

NM_001349253.2(SCN11A):c.*4C>T

Gene: SCN11A (sodium voltage-gated channel alpha subunit 11; minus strand). Cytogenetic location: 3p22.2.
Variant type: single nucleotide variant.
Coding change: c.*4C>T on transcript NM_001349253.2 (MANE Select); 4 bases downstream of the stop codon, C replaced by T.
Molecular consequence: 3 prime UTR variant.
Genome position (GRCh38, 1-based): chr3:38,846,690, G>A on the plus strand (C>T on the coding strand, the complement: SCN11A is on the minus strand). VCF-style: chr3-38846690-G-A. GRCh37 (hg19) VCF-style: chr3-38888181-G-A.
Other names: c.*4C>T (NM_014139.3).
Identifiers: ClinVar variation 4996074 (VCV004996074.1).
Genomic context (GRCh38, chr3:38,846,690, plus strand): 5'-CCCCTGGAGCTCAGAGGCTGAAGGCAAGGCTGTGAAGCTATGAGGTAGGCGTGGAGGTGA[G>A]GGCTCAGTCACAGTGGACCTTGCCCTTGGCCACCCCAAAGCTAGACAAGTCTCCATTGCA-3'